The following is an entry in ClinVar:

ClinVar aggregate classification (germline): Benign. Review status: criteria provided, multiple submitters, no conflicts (2 of 4 stars). 3 submissions from 3 submitters: Benign (2). 1 of the submissions does not count toward it. Last evaluated 2026-01-15.

Conditions:
Multiple congenital exostosis (EXT). Also called: MULTIPLE CARTILAGINOUS EXOSTOSES; Multiple exostoses; Multiple osteochondromas; Hereditary multiple osteochondromas; Hereditary multiple exostoses; Hereditary multiple exostosis. Identifiers: Orphanet 321, MedGen C0015306, MONDO:0005508, HP:0002762.
EXT1-related disorder. Also called: EXT1-related condition.

Allele frequency attached by ClinVar (database versions not stated): gnomAD 0.00007 and 0.00009; gnomAD exomes 0.00017 and 0.00084; TOPMed 0.00032; 1000 Genomes Project 0.00040; 1000 Genomes Project 30x 0.00047; ExAC 0.00068.
gnomAD v4.1: 253 of 1,614,140 alleles (0.016%); highest among the groups gnomAD compares: Admixed American, 0.42%; 3 homozygotes.

Submissions (3):

Labcorp Genetics (formerly Invitae), Labcorp
Classification: Benign for Multiple congenital exostosis. Last evaluated: 2026-01-15. Review status: criteria provided, single submitter. Criteria: Invitae Variant Classification Sherloc (09022015). Collection method: clinical testing. Allele origin: germline.

GeneDx
Classification: Benign. Last evaluated: 2020-08-05. Review status: criteria provided, single submitter. Criteria: GeneDx Variant Classification Process June 2021. Collection method: clinical testing. Allele origin: germline. Affected: yes.
Comment: This variant is associated with the following publications: (PMID: 27616605, 19810120)

PreventionGenetics, part of Exact Sciences
Classification: Benign for EXT1-related condition. Last evaluated: 2019-11-05. Review status: no assertion criteria provided. Collection method: clinical testing. Allele origin: germline. Not counted in ClinVar's aggregate classification.
Comment: This variant is classified as benign based on ACMG/AMP sequence variant interpretation guidelines (Richards et al. 2015 PMID: 25741868, with internal and published modifications).

NM_000127.3(EXT1):c.1117A>G (p.Asn373Asp)

Gene: EXT1 (exostosin glycosyltransferase 1; minus strand). Cytogenetic location: 8q24.11.
Variant type: single nucleotide variant.
Coding change: c.1117A>G on transcript NM_000127.3 (MANE Select); coding-DNA position 1117, A replaced by G.
Protein change: p.Asn373Asp; replaces asparagine 373 with aspartic acid.
Molecular consequence: missense variant.
Genome position (GRCh38, 1-based): chr8:117,835,491, T>C on the plus strand (A>G on the coding strand, the complement: EXT1 is on the minus strand). VCF-style: chr8-117835491-T-C. GRCh37 (hg19) VCF-style: chr8-118847730-T-C.
Other names: short protein forms N373D.
Identifiers: ClinVar variation 707063 (VCV000707063.15), dbSNP rs142122090, ClinGen allele CA4854235.